The following is an entry in ClinVar:

NC_000021.8:g.(?_36421133)_(36421202_?)del

Gene: RUNX1 (RUNX family transcription factor 1; minus strand). Cytogenetic location: 21q22.12.
Variant type: Deletion.
Identifiers: ClinVar variation 1069844 (VCV001069844.7).

ClinVar aggregate classification (germline): Pathogenic (1 of 4 stars; one submission).

Conditions:
Hereditary thrombocytopenia and hematological cancer predisposition syndrome associated with RUNX1. Also called: PLATELET DISORDER, ASPIRIN-LIKE; Familial Platelet Disorder with Propensity to Acute Myelogenous Leukemia; Familial thrombocytopenia with propensity to acute myelogenous leukemia; RUNX1 Familial Platelet Disorder with Associated Myeloid Malignancies. Identifiers: Orphanet 71290, MedGen C1832388, MeSH C563324, MONDO:0100083, OMIM 601399.

Submission:

Labcorp Genetics (formerly Invitae), Labcorp
Classification: Pathogenic for Hereditary thrombocytopenia and hematological cancer predisposition syndrome associated with RUNX1. Last evaluated: 2017-02-22. Review status: criteria provided, single submitter. Criteria: Invitae Variant Classification Sherloc (09022015). Collection method: clinical testing. Allele origin: germline.
Comment: For these reasons, this variant has been classified as Pathogenic. While this particular variant has not been reported in the literature, loss-of-function variants in RUNX1 are known to be pathogenic (PMID: 18723428, 24100448). This variant is a gross deletion of the genomic region encompassing exon 2 of the RUNX1 gene, which includes the initiator codon. The 5' end of this event is unknown as it extends beyond the assayed region for this gene and therefore may encompass additional genes. The 3' boundary is likely confined to intron 2 of the RUNX1 gene. This is expected to result in an absent or disrupted protein product.

Literature cited by the submitters: PubMed 18723428; PubMed 24100448.